The following is an entry in ClinVar:

ClinVar aggregate classification (germline): Uncertain significance (1 of 4 stars; one submission).

gnomAD v4.1: 6 of 1,614,214 alleles (0.00037%); highest among the groups gnomAD compares: Non-Finnish European, 0.00051%; no homozygotes.

Submission:

Ambry Genetics
Classification: Uncertain significance. Last evaluated: 2021-07-26. Review status: criteria provided, single submitter. Criteria: Ambry Variant Classification Scheme 2023. Collection method: clinical testing. Allele origin: germline.
Comment: The p.H1084Y variant (also known as c.3250C>T), located in coding exon 4 of the ALPK2 gene, results from a C to T substitution at nucleotide position 3250. The histidine at codon 1084 is replaced by tyrosine, an amino acid with similar properties. This amino acid position is conserved. In addition, this alteration is predicted to be tolerated by in silico analysis. Since supporting evidence is limited at this time, the clinical significance of this alteration remains unclear.

NM_052947.4(ALPK2):c.3250C>T (p.His1084Tyr)

Gene: ALPK2 (alpha kinase 2; minus strand). Cytogenetic location: 18q21.31.
Variant type: single nucleotide variant.
Coding change: c.3250C>T on transcript NM_052947.4 (MANE Select); coding-DNA position 3250, C replaced by T.
Protein change: p.His1084Tyr; replaces histidine 1084 with tyrosine.
Molecular consequence: missense variant.
Genome position (GRCh38, 1-based): chr18:58,536,937, G>A on the plus strand (C>T on the coding strand, the complement: ALPK2 is on the minus strand). VCF-style: chr18-58536937-G-A. GRCh37 (hg19) VCF-style: chr18-56204169-G-A.
Other names: short protein forms H1084Y.
Identifiers: ClinVar variation 1729419 (VCV001729419.2), dbSNP rs1251027140, ClinGen allele CA402568786.
Genomic context (GRCh38, chr18:58,536,937, plus strand): 5'-CAACCTGAAGAGGGGAATTACTGCAGAAACCCTCTCCCTCTGGGAGCTGCAGGACATGGT[G>A]TGGGACTCCTGGCACACTGGGTGCCCTGCAAAGTAGCTCTTTTGTAGATTTGATGGTAGC-3'
Protein context (NP_443179.3, residues 1074-1094): CRAPSVPGVP[His1084Tyr]HVLQLPEGEG